The following is an entry in ClinVar:

NM_006031.6(PCNT):c.2984_2994del (p.Ala995fs)

Gene: PCNT (pericentrin; plus strand). Cytogenetic location: 21q22.3.
Variant type: Deletion.
Coding change: c.2984_2994del on transcript NM_006031.6 (MANE Select); coding-DNA positions 2984 to 2994, 11 bases deleted (CAGACTTTGAG).
Protein change: p.Ala995fs; shifts the reading frame from alanine 995.
Molecular consequence: frameshift variant.
Genome position (GRCh38, 1-based): chr21:46,366,958-46,366,968, CAGACTTTGAG deleted; deleting any 11 consecutive bases within chr21:46,366,955-46,366,968 gives the same sequence; the c. name uses the placement nearest the transcript's 3' end. VCF-style (leftmost placement, unchanged base first): chr21-46366954-CGAGCAGACTTT-C. GRCh37 (hg19) VCF-style: chr21-47786869-CGAGCAGACTTT-C.
Other names: c.2630_2640del, p.Ala877fs (NM_001315529.2); short protein forms A995fs, A877fs.
Identifiers: ClinVar variation 159580 (VCV000159580.15), dbSNP rs587784302, ClinGen allele CA251043.
Genomic context (GRCh38, chr21:46,366,954, plus strand): 5'-TGTTACCTCTCTGAATTTCAGACCATCCGTGAGGAGCACAGGCAGGCCCTAGAGCTCTTA[CGAGCAGACTTT>C]GAGGAACAACTGTGGAAAAAGGACTCTCTTCACCAAACGATTTTGACTCAAGAGTTGGAG-3'

ClinVar aggregate classification (germline): Pathogenic. Review status: criteria provided, multiple submitters, no conflicts (2 of 4 stars). 4 submissions from 4 submitters: Pathogenic (4). Last evaluated 2024-03-14.

Conditions:
Microcephalic osteodysplastic primordial dwarfism type II (MOPD2). Also called: Microcephalic osteodysplastic primordial dwarfism with tooth abnormalities; MOPD II; OSTEODYSPLASTIC PRIMORDIAL DWARFISM, TYPE II. Identifiers: Orphanet 2637, MedGen C0432246, MONDO:0008872, OMIM 210720.

Submissions (4):

Labcorp Genetics (formerly Invitae), Labcorp
Classification: Pathogenic. Last evaluated: 2024-03-14. Review status: criteria provided, single submitter. Criteria: Invitae Variant Classification Sherloc (09022015). Collection method: clinical testing. Allele origin: germline.
Comment: This sequence change creates a premature translational stop signal (p.Ala995Glyfs*59) in the PCNT gene. It is expected to result in an absent or disrupted protein product. Loss-of-function variants in PCNT are known to be pathogenic (PMID: 18174396, 22821869). This variant is not present in population databases (gnomAD no frequency). This premature translational stop signal has been observed in individual(s) with primordial dwarfism (PMID: 18174396). ClinVar contains an entry for this variant (Variation ID: 159580). For these reasons, this variant has been classified as Pathogenic.

GeneDx
Classification: Pathogenic. Last evaluated: 2021-04-07. Review status: criteria provided, single submitter. Criteria: GeneDx Variant Classification Process June 2021. Collection method: clinical testing. Allele origin: germline. Affected: yes.
Comment: Frameshift variant predicted to result in protein truncation or nonsense mediated decay in a gene for which loss-of-function is a known mechanism of disease; Not observed in large population cohorts (Lek et al., 2016); This variant is associated with the following publications: (PMID: 18174396)

Eurofins Ntd Llc (ga)
Classification: Pathogenic. Last evaluated: 2016-06-22. Review status: criteria provided, single submitter. Criteria: EGL Classification Definitions 2015. Collection method: clinical testing. Allele origin: germline. Observed: 1 variant allele, 1 homozygote.

Genetic Services Laboratory, University of Chicago
Classification: Pathogenic for Microcephalic osteodysplastic primordial dwarfism, type II. Last evaluated: 2013-02-08. Review status: criteria provided, single submitter. Criteria: ACMG Guidelines, 2007. Collection method: clinical testing. Allele origin: germline. Inheritance: Autosomal recessive inheritance. Affected: yes.

Literature cited by the submitters: PubMed 18174396 (cited by Labcorp Genetics (formerly Invitae), Labcorp); PubMed 22821869 (cited by Labcorp Genetics (formerly Invitae), Labcorp).